The following is an entry in ClinVar:

NM_001035.3(RYR2):c.11009T>C (p.Leu3670Pro)

Gene: RYR2 (ryanodine receptor 2; plus strand). Cytogenetic location: 1q43.
Variant type: single nucleotide variant.
Coding change: c.11009T>C on transcript NM_001035.3 (MANE Select); coding-DNA position 11009, T replaced by C.
Protein change: p.Leu3670Pro; replaces leucine 3670 with proline.
Molecular consequence: missense variant.
Genome position (GRCh38, 1-based): chr1:237,732,119, T>C. VCF-style: chr1-237732119-T-C. GRCh37 (hg19) VCF-style: chr1-237895419-T-C.
Other names: short protein forms L3670P.
Identifiers: ClinVar variation 3075348 (VCV003075348.1), dbSNP rs2527070619, ClinGen allele CA345419062.
Genomic context (GRCh38, chr1:237,732,119, plus strand): 5'-AACCTCCAGAAGAAGATGAAGGCACTAAGAGAGTTGATCCTCTACATCAGCTGATCCTTC[T>C]GTTTAGTCGGACAGCTTTAACAGAGAAATGGTATGGTTGGGAGGGTTCCTATGAGACATA-3'
Protein context (NP_001026.2, residues 3660-3680): RVDPLHQLIL[Leu3670Pro]FSRTALTEKC

ClinVar aggregate classification (germline): Uncertain significance (1 of 4 stars; one submission).

Conditions:
Catecholaminergic polymorphic ventricular tachycardia (CVPT). Also called: Catecholamine-induced polymorphic ventricular tachycardia. Identifiers: Orphanet 3286, MedGen C5574922, MONDO:0017990.

Submission:

All of Us Research Program, National Institutes of Health
Classification: Uncertain significance for Catecholaminergic polymorphic ventricular tachycardia. Last evaluated: 2024-01-11. Review status: criteria provided, single submitter. Criteria: ACMG Guidelines, 2015. Collection method: clinical testing. Allele origin: germline. Inheritance: Autosomal dominant inheritance. Observed: 1 variant allele, 1 heterozygote.
Comment: This study involves interpretation of variants in research participants for the purpose of population health screening. Participant phenotype was not available at the time of variant classification. Additional details can be found in publication PMID: 35346344, PMCID: PMC8962531